The following is an entry in ClinVar:

ClinVar aggregate classification (germline): Conflicting classifications of pathogenicity. Review status: criteria provided, conflicting classifications (1 of 4 stars). 2 submissions from 2 submitters: Uncertain significance (1); Likely benign (1). Last evaluated 2023-12-11.

Conditions:
Inborn genetic diseases. Identifiers: MedGen C0950123, MeSH D030342.

Allele frequency attached by ClinVar (database versions not stated): ExAC 0.00002; gnomAD exomes 0.00003; TOPMed 0.00003; gnomAD 0.00006.
gnomAD v4.1: 49 of 1,614,036 alleles (0.003%); highest among the groups gnomAD compares: African/African-American, 0.0067%; 1 homozygote.

Submissions (2):

Labcorp Genetics (formerly Invitae), Labcorp
Classification: Uncertain significance. Last evaluated: 2023-12-11. Review status: criteria provided, single submitter. Criteria: Invitae Variant Classification Sherloc (09022015). Collection method: clinical testing. Allele origin: germline.
Comment: This sequence change replaces asparagine, which is neutral and polar, with serine, which is neutral and polar, at codon 846 of the SH3PXD2B protein (p.Asn846Ser). This variant is present in population databases (rs373421449, gnomAD 0.006%). This variant has not been reported in the literature in individuals affected with SH3PXD2B-related conditions. ClinVar contains an entry for this variant (Variation ID: 1988534). Algorithms developed to predict the effect of missense changes on protein structure and function output the following: SIFT: "Not Available"; PolyPhen-2: "Benign"; Align-GVGD: "Not Available". The serine amino acid residue is found in multiple mammalian species, which suggests that this missense change does not adversely affect protein function. In summary, the available evidence is currently insufficient to determine the role of this variant in disease. Therefore, it has been classified as a Variant of Uncertain Significance.

Ambry Genetics
Classification: Likely benign for Inborn genetic diseases. Last evaluated: 2023-06-01. Review status: criteria provided, single submitter. Criteria: Ambry Variant Classification Scheme 2023. Collection method: clinical testing. Allele origin: germline.

NM_001017995.3(SH3PXD2B):c.2537A>G (p.Asn846Ser)

Gene: SH3PXD2B (SH3 and PX domains 2B; minus strand). Cytogenetic location: 5q35.1.
Variant type: single nucleotide variant.
Coding change: c.2537A>G on transcript NM_001017995.3 (MANE Select); coding-DNA position 2537, A replaced by G.
Protein change: p.Asn846Ser; replaces asparagine 846 with serine.
Molecular consequence: missense variant. On other transcripts: intron variant (1).
Genome position (GRCh38, 1-based): chr5:172,338,568, T>C on the plus strand (A>G on the coding strand, the complement: SH3PXD2B is on the minus strand). VCF-style: chr5-172338568-T-C. GRCh37 (hg19) VCF-style: chr5-171765572-T-C.
Other names: c.1188+7568A>G (NM_001308175.2); c.2537A>G (NM_001017995.2); short protein forms N846S.
Identifiers: ClinVar variation 1988534 (VCV001988534.4), dbSNP rs373421449, ClinGen allele CA3560943.